The following is an entry in ClinVar:

NM_001374736.1(DST):c.21518T>C (p.Ile7173Thr)

Gene: DST (dystonin; minus strand). Cytogenetic location: 6p12.1.
Variant type: single nucleotide variant.
Coding change: c.21518T>C on transcript NM_001374736.1 (MANE Select); coding-DNA position 21518, T replaced by C.
Protein change: p.Ile7173Thr; replaces isoleucine 7173 with threonine.
Molecular consequence: missense variant.
Genome position (GRCh38, 1-based): chr6:56,482,063, A>G on the plus strand (T>C on the coding strand, the complement: DST is on the minus strand). VCF-style: chr6-56482063-A-G. GRCh37 (hg19) VCF-style: chr6-56346861-A-G.
Other names: c.15161T>C, p.Ile5054Thr (NM_001144769.5); c.14747T>C, p.Ile4916Thr (NM_001144770.2); c.21518T>C, p.Ile7173Thr (NM_001374722.1); c.20558T>C, p.Ile6853Thr (NM_001374729.1); c.14300T>C, p.Ile4767Thr (NM_001374730.1); c.21545T>C, p.Ile7182Thr (NM_001374734.1); c.14627T>C, p.Ile4876Thr (NM_001386100.1, NM_183380.4); c.13649T>C, p.Ile4550Thr (NM_015548.5); short protein forms I4876T, I7182T, I4767T, I6853T, I7173T, I4550T, I4916T, I5054T.
Identifiers: ClinVar variation 1389766 (VCV001389766.5), dbSNP rs200299941, ClinGen allele CA3866455.

ClinVar aggregate classification (germline): Uncertain significance (1 of 4 stars; one submission).

Conditions:
Hereditary sensory and autonomic neuropathy type 6. Also called: HSAN VI; Neuropathy, hereditary sensory and autonomic, type VI. Identifiers: Orphanet 314381, MedGen C3539003, MONDO:0013839, OMIM 614653.
Epidermolysis bullosa simplex 3, localized or generalized intermediate, with BP230 deficiency (EBS3). Also called: Epidermolysis bullosa simplex due to BP230 deficiency; Epidermolysis bullosa simplex, autosomal recessive 2. Identifiers: Orphanet 412181, MedGen C3809470, MONDO:0014180, OMIM 615425.

Allele frequency attached by ClinVar (database versions not stated): gnomAD 0.00004; TOPMed 0.00005; gnomAD exomes 0.00006; ESP Exome Variant Server 0.00008.
gnomAD v4.1: 63 of 1,613,642 alleles (0.0039%); highest among the groups gnomAD compares: South Asian, 0.032%; no homozygotes.

Submission:

Labcorp Genetics (formerly Invitae), Labcorp
Classification: Uncertain significance for Epidermolysis bullosa simplex 3, localized or generalized intermediate, with BP230 deficiency; Hereditary sensory and autonomic neuropathy type 6. Last evaluated: 2024-06-10. Review status: criteria provided, single submitter. Criteria: Invitae Variant Classification Sherloc (09022015). Collection method: clinical testing. Allele origin: germline.
Comment: The DST gene has multiple clinically relevant transcripts. This variant occurs in alternate transcript NM_015548.4, and corresponds to NM_001723.5:c.*133454T>C in the primary transcript. This sequence change replaces isoleucine, which is neutral and non-polar, with threonine, which is neutral and polar, at codon 4550 of the DST protein (p.Ile4550Thr). This variant is present in population databases (rs200299941, gnomAD 0.04%). This variant has not been reported in the literature in individuals affected with DST-related conditions. Experimental studies and prediction algorithms are not available or were not evaluated, and the functional significance of this variant is currently unknown. In summary, the available evidence is currently insufficient to determine the role of this variant in disease. Therefore, it has been classified as a Variant of Uncertain Significance.